The following is an entry in ClinVar:

NM_153717.3(EVC):c.1026G>C (p.Leu342=)

Gene: EVC (EvC ciliary complex subunit 1; plus strand). Cytogenetic location: 4p16.2.
Variant type: single nucleotide variant.
Coding change: c.1026G>C on transcript NM_153717.3 (MANE Select); coding-DNA position 1026, G replaced by C.
Protein change: p.Leu342=; no amino-acid change (leucine 342 retained).
Molecular consequence: synonymous variant.
Genome position (GRCh38, 1-based): chr4:5,748,234, G>C. VCF-style: chr4-5748234-G-C. GRCh37 (hg19) VCF-style: chr4-5749961-G-C.
Other names: c.1026G>C, p.Leu342= (NM_001306090.2, NM_001306092.2).
Identifiers: ClinVar variation 262761 (VCV000262761.29), dbSNP rs4688962, ClinGen allele CA2835962.

ClinVar aggregate classification (germline): Benign. Review status: criteria provided, multiple submitters, no conflicts (2 of 4 stars). 13 submissions from 12 submitters: Benign (10). 3 of the submissions do not count toward it. Last evaluated 2026-05-08.

Conditions:
Ellis-van Creveld syndrome (EVC). Also called: Chondroectodermal dysplasia; MESOECTODERMAL DYSPLASIA. Identifiers: Orphanet 289, MedGen C0013903, MONDO:0009162, OMIM 225500.
Curry-Hall syndrome (WAD). Also called: WEYERS ACRODENTAL DYSOSTOSIS. Identifiers: Orphanet 952, MedGen C0457013, MONDO:0008673, OMIM 193530.

Allele frequency attached by ClinVar (database versions not stated): gnomAD exomes 0.48277; ExAC 0.49199; gnomAD 0.52686 and 0.52761; TOPMed 0.53015; ESP Exome Variant Server 0.53245; 1000 Genomes Project 0.58287; 1000 Genomes Project 30x 0.58432.
gnomAD v4.1: 766,680 of 1,613,678 alleles (48%); highest among the groups gnomAD compares: African/African-American, 73%; 186,779 homozygotes.

Submissions (13):

Women's Health and Genetics/Laboratory Corporation of America, LabCorp
Classification: Benign. Last evaluated: 2026-05-08. Review status: criteria provided, single submitter. Criteria: LabCorp Variant Classification Summary - May 2015. Collection method: clinical testing. Allele origin: germline.

Labcorp Genetics (formerly Invitae), Labcorp
Classification: Benign for Curry-Hall syndrome; Ellis-van Creveld syndrome. Last evaluated: 2026-02-04. Review status: criteria provided, single submitter. Criteria: Invitae Variant Classification Sherloc (09022015). Collection method: clinical testing. Allele origin: germline.

Blueprint Genetics
Classification: Benign. Last evaluated: 2024-11-26. Review status: criteria provided, single submitter. Criteria: ACMG Guidelines, 2015. Collection method: clinical testing. Allele origin: germline.

Genome-Nilou Lab
Classification: Benign for Curry-Hall syndrome. Last evaluated: 2021-07-30. Review status: criteria provided, single submitter. Criteria: ACMG Guidelines, 2015. Collection method: clinical testing. Allele origin: germline. Affected: no.

Genome-Nilou Lab
Classification: Benign for Ellis-van Creveld syndrome. Last evaluated: 2021-07-30. Review status: criteria provided, single submitter. Criteria: ACMG Guidelines, 2015. Collection method: clinical testing. Allele origin: germline. Affected: no.

Pars Genome Lab
Classification: Benign for Ellis-van Creveld syndrome. Last evaluated: 2021-06-15. Review status: criteria provided, single submitter. Criteria: ACMG Guidelines, 2015. Collection method: clinical testing. Allele origin: germline. Affected: no.

Illumina Laboratory Services, Illumina
Classification: Benign for Ellis-van Creveld syndrome. Last evaluated: 2018-01-12. Review status: criteria provided, single submitter. Criteria: ICSL Variant Classification Criteria 13 December 2019. Collection method: clinical testing. Allele origin: germline.
Comment: This variant was observed in the ICSL laboratory as part of a predisposition screen in an ostensibly healthy population. It had not been previously curated by ICSL or reported in the Human Gene Mutation Database (HGMD: prior to June 1st, 2018), and was therefore a candidate for classification through an automated scoring system. Utilizing variant allele frequency, disease prevalence and penetrance estimates, and inheritance mode, an automated score was calculated to assess if this variant is too frequent to cause the disease. Based on the score and internal cut-off values, a variant classified as benign is not then subjected to further curation. The score for this variant resulted in a classification of benign for this disease.

GeneDx
Classification: Benign. Last evaluated: 2016-03-03. Review status: criteria provided, single submitter. Criteria: GeneDx Variant Classification (06012015). Collection method: clinical testing. Allele origin: germline. Affected: yes.
Comment: This variant is considered likely benign or benign based on one or more of the following criteria: it is a conservative change, it occurs at a poorly conserved position in the protein, it is predicted to be benign by multiple in silico algorithms, and/or has population frequency not consistent with disease.

Breakthrough Genomics
Classification: Benign. Review status: criteria provided, single submitter. Criteria: ACMG Guidelines, 2015. Collection method: not provided. Allele origin: germline. Inheritance: Autosomal recessive inheritance. Affected: yes.

PreventionGenetics, part of Exact Sciences
Classification: Benign. Review status: criteria provided, single submitter. Criteria: ACMG Guidelines, 2015. Collection method: clinical testing. Allele origin: germline.

Natera, Inc.
Classification: Benign for Ellis-van Creveld syndrome. Last evaluated: 2020-09-16. Review status: no assertion criteria provided. Collection method: clinical testing. Allele origin: germline. Not counted in ClinVar's aggregate classification.

Diagnostic Laboratory, Department of Genetics, University Medical Center Groningen
Classification: Benign. Review status: no assertion criteria provided. Collection method: clinical testing. Allele origin: germline. Affected: yes. Study: VKGL Data-share Consensus. Not counted in ClinVar's aggregate classification.

Joint Genome Diagnostic Labs from Nijmegen and Maastricht, Radboudumc and MUMC+
Classification: Benign. Review status: no assertion criteria provided. Collection method: clinical testing. Allele origin: germline. Affected: yes. Study: VKGL Data-share Consensus. Not counted in ClinVar's aggregate classification.